The following is an entry in ClinVar:

NM_001040108.2(MLH3):c.4335A>G (p.Gln1445=)

Gene: MLH3 (mutL homolog 3; minus strand). Cytogenetic location: 14q24.3.
Variant type: single nucleotide variant.
Coding change: c.4335A>G on transcript NM_001040108.2 (MANE Select); coding-DNA position 4335, A replaced by G.
Protein change: p.Gln1445=; no amino-acid change (glutamine 1445 retained).
Molecular consequence: synonymous variant.
Genome position (GRCh38, 1-based): chr14:75,017,109, T>C on the plus strand (A>G on the coding strand, the complement: MLH3 is on the minus strand). VCF-style: chr14-75017109-T-C. GRCh37 (hg19) VCF-style: chr14-75483812-T-C.
Other names: c.4263A>G, p.Gln1421= (NM_014381.3).
Identifiers: ClinVar variation 257253 (VCV000257253.29), dbSNP rs13712, ClinGen allele CA7275156.

ClinVar aggregate classification (germline): Benign. Review status: criteria provided, multiple submitters, no conflicts (2 of 4 stars). 13 submissions from 12 submitters: Benign (10). 3 of the submissions do not count toward it. Last evaluated 2026-05-06.

Conditions:
Endometrial carcinoma. Also called: Endometrial carcinoma, somatic. Identifiers: MedGen C0476089, MONDO:0002447, OMIM 608089, HP:0012114.
Colorectal cancer, hereditary nonpolyposis, type 7. Identifiers: Orphanet 144, MedGen C1858380, MONDO:0013725, OMIM 614385.

Allele frequency attached by ClinVar (database versions not stated): ESP Exome Variant Server 0.50192; gnomAD 0.52176 and 0.52639; TOPMed 0.53245; gnomAD exomes 0.53719 and 0.57496; ExAC 0.56344; 1000 Genomes Project 30x 0.57214; 1000 Genomes Project 0.58007.
gnomAD v4.1: 864,663 of 1,612,868 alleles (54%); highest among the groups gnomAD compares: East Asian, 83%; 236,314 homozygotes.

Submissions (13):

Myriad Genetics, Inc.
Classification: Benign for Colorectal cancer, hereditary nonpolyposis, type 7. Last evaluated: 2026-05-06. Review status: criteria provided, single submitter. Criteria: Myriad Autosomal Dominant, Autosomal Recessive and X-Linked Classification Criteria (2023). Collection method: clinical testing. Allele origin: unknown.
Comment: This variant is considered benign. This variant is a silent/synonymous amino acid change and it is not expected to impact splicing.

Labcorp Genetics (formerly Invitae), Labcorp
Classification: Benign for Colorectal cancer, hereditary nonpolyposis, type 7. Last evaluated: 2026-02-04. Review status: criteria provided, single submitter. Criteria: Invitae Variant Classification Sherloc (09022015). Collection method: clinical testing. Allele origin: germline.

KCCC/NGS Laboratory, Kuwait Cancer Control Center
Classification: Benign for Endometrial carcinoma. Last evaluated: 2025-02-01. Review status: criteria provided, single submitter. Criteria: ACMG Guidelines, 2015. Collection method: clinical testing. Allele origin: germline. Affected: no.

Blueprint Genetics
Classification: Benign. Last evaluated: 2024-11-27. Review status: criteria provided, single submitter. Criteria: ACMG Guidelines, 2015. Collection method: clinical testing. Allele origin: germline.

KCCC/NGS Laboratory, Kuwait Cancer Control Center
Classification: Benign for Colorectal cancer, hereditary nonpolyposis, type 7. Last evaluated: 2023-07-07. Review status: criteria provided, single submitter. Criteria: ACMG Guidelines, 2015. Collection method: clinical testing. Allele origin: germline. Affected: yes.

Ambry Genetics
Classification: Benign. Last evaluated: 2020-07-30. Review status: criteria provided, single submitter. Criteria: Ambry Variant Classification Scheme 2023. Collection method: clinical testing. Allele origin: germline.

GeneDx
Classification: Benign. Last evaluated: 2018-06-22. Review status: criteria provided, single submitter. Criteria: GeneDx Variant Classification Process June 2021. Collection method: clinical testing. Allele origin: germline. Affected: yes.

Illumina Laboratory Services, Illumina
Classification: Benign for Colorectal cancer, hereditary nonpolyposis, type 7. Last evaluated: 2018-01-13. Review status: criteria provided, single submitter. Criteria: ICSL Variant Classification Criteria 13 December 2019. Collection method: clinical testing. Allele origin: germline.
Comment: This variant was observed in the ICSL laboratory as part of a predisposition screen in an ostensibly healthy population. It had not been previously curated by ICSL or reported in the Human Gene Mutation Database (HGMD: prior to June 1st, 2018), and was therefore a candidate for classification through an automated scoring system. Utilizing variant allele frequency, disease prevalence and penetrance estimates, and inheritance mode, an automated score was calculated to assess if this variant is too frequent to cause the disease. Based on the score and internal cut-off values, a variant classified as benign is not then subjected to further curation. The score for this variant resulted in a classification of benign for this disease.

Breakthrough Genomics
Classification: Benign. Review status: criteria provided, single submitter. Criteria: ACMG Guidelines, 2015. Collection method: not provided. Allele origin: germline. Inheritance: Autosomal dominant inheritance. Affected: yes.

PreventionGenetics, part of Exact Sciences
Classification: Benign. Review status: criteria provided, single submitter. Criteria: ACMG Guidelines, 2015. Collection method: clinical testing. Allele origin: germline.

Clinical Genetics, Academic Medical Center
Classification: Benign. Review status: no assertion criteria provided. Collection method: clinical testing. Allele origin: germline. Affected: yes. Study: VKGL Data-share Consensus. Not counted in ClinVar's aggregate classification.

Diagnostic Laboratory, Department of Genetics, University Medical Center Groningen
Classification: Benign. Review status: no assertion criteria provided. Collection method: clinical testing. Allele origin: germline. Affected: yes. Study: VKGL Data-share Consensus. Not counted in ClinVar's aggregate classification.

Mayo Clinic Laboratories, Mayo Clinic
Classification: Benign. Review status: no assertion criteria provided. Collection method: clinical testing. Allele origin: unknown. Not counted in ClinVar's aggregate classification.